The following is an entry in ClinVar:

ClinVar aggregate classification (germline): Uncertain significance (1 of 4 stars; one submission).

Allele frequency attached by ClinVar (database versions not stated): gnomAD 0.00001; TOPMed 0.00001; gnomAD exomes 0.00003; ExAC 0.00005.
gnomAD v4.1: 43 of 1,613,750 alleles (0.0027%); highest among the groups gnomAD compares: Middle Eastern, 0.033%; no homozygotes.

Submission:

Labcorp Genetics (formerly Invitae), Labcorp
Classification: Uncertain significance. Last evaluated: 2024-10-15. Review status: criteria provided, single submitter. Criteria: Invitae Variant Classification Sherloc (09022015). Collection method: clinical testing. Allele origin: germline.
Comment: This sequence change replaces arginine, which is basic and polar, with cysteine, which is neutral and slightly polar, at codon 510 of the PDE6C protein (p.Arg510Cys). This variant is present in population databases (rs780511565, gnomAD 0.007%). This variant has not been reported in the literature in individuals affected with PDE6C-related conditions. ClinVar contains an entry for this variant (Variation ID: 1345869). Invitae Evidence Modeling of protein sequence and biophysical properties (such as structural, functional, and spatial information, amino acid conservation, physicochemical variation, residue mobility, and thermodynamic stability) indicates that this missense variant is not expected to disrupt PDE6C protein function with a negative predictive value of 80%. In summary, the available evidence is currently insufficient to determine the role of this variant in disease. Therefore, it has been classified as a Variant of Uncertain Significance.

NM_006204.4(PDE6C):c.1528C>T (p.Arg510Cys)

Gene: PDE6C (phosphodiesterase 6C; plus strand). Cytogenetic location: 10q23.33.
Variant type: single nucleotide variant.
Coding change: c.1528C>T on transcript NM_006204.4 (MANE Select); coding-DNA position 1528, C replaced by T.
Protein change: p.Arg510Cys; replaces arginine 510 with cysteine.
Molecular consequence: missense variant.
Genome position (GRCh38, 1-based): chr10:93,640,115, C>T. VCF-style: chr10-93640115-C-T. GRCh37 (hg19) VCF-style: chr10-95399872-C-T.
Other names: short protein forms R510C.
Identifiers: ClinVar variation 1345869 (VCV001345869.7), dbSNP rs780511565, ClinGen allele CA5610222.